The following is an entry in ClinVar:

NM_020297.4(ABCC9):c.2080C>T (p.Arg694Ter)

Gene: ABCC9 (ATP binding cassette subfamily C member 9; minus strand). Cytogenetic location: 12p12.1.
Variant type: single nucleotide variant.
Coding change: c.2080C>T on transcript NM_020297.4 (MANE Select); coding-DNA position 2080, C replaced by T.
Protein change: p.Arg694Ter; replaces arginine 694 with a stop codon.
Molecular consequence: nonsense.
Genome position (GRCh38, 1-based): chr12:21,875,666, G>A on the plus strand (C>T on the coding strand, the complement: ABCC9 is on the minus strand). VCF-style: chr12-21875666-G-A. GRCh37 (hg19) VCF-style: chr12-22028600-G-A.
Other names: c.2080C>T, p.Arg694Ter (NM_001377273.1, NM_005691.4); c.1216C>T, p.Arg406Ter (NM_001377274.1); short protein forms R694*, R406*.
Identifiers: ClinVar variation 451662 (VCV000451662.10), dbSNP rs1194330942, ClinGen allele CA384134225.

ClinVar aggregate classification (germline): Conflicting classifications of pathogenicity. Review status: criteria provided, conflicting classifications (1 of 4 stars). 4 submissions from 4 submitters: Pathogenic (1); Uncertain significance (3). Last evaluated 2025-06-20.

Conditions:
Intellectual disability and myopathy syndrome (IDMYS). Identifiers: MedGen C5676904, MONDO:0859224, OMIM 619719.
Dilated cardiomyopathy 1O (CMD1O). Also called: CARDIOMYOPATHY, DILATED, WITH VENTRICULAR TACHYCARDIA. Identifiers: Orphanet 154, MedGen C1837839, MONDO:0012062, OMIM 608569.
Hypertrichotic osteochondrodysplasia Cantu type. Also called: Cantú Syndrome; Cantu Syndrome. Identifiers: Orphanet 1517, MedGen C0795905, MONDO:0009406, OMIM 239850.
Atrial fibrillation, familial, 12 (ATFB12). Identifiers: MedGen C3279695, MONDO:0013545, OMIM 614050.

Allele frequency attached by ClinVar (database versions not stated): gnomAD exomes below 0.00001.
gnomAD v4.1: 4 of 1,610,624 alleles (0.00025%); highest among the groups gnomAD compares: East Asian, 0.0089%; no homozygotes.

Submissions (4):

Labcorp Genetics (formerly Invitae), Labcorp
Classification: Pathogenic for Dilated cardiomyopathy 1O. Last evaluated: 2025-06-20. Review status: criteria provided, single submitter. Criteria: Invitae Variant Classification Sherloc (09022015). Collection method: clinical testing. Allele origin: germline.
Comment: This sequence change creates a premature translational stop signal (p.Arg694*) in the ABCC9 gene. It is expected to result in an absent or disrupted protein product. Loss-of-function variants in ABCC9 are known to be pathogenic (PMID: 31575858, 38217872). This variant is present in population databases (no rsID available, gnomAD 0.0009%). This variant has not been reported in the literature in individuals affected with ABCC9-related conditions. ClinVar contains an entry for this variant (Variation ID: 451662). For these reasons, this variant has been classified as Pathogenic.

3billion
Classification: Uncertain significance for Intellectual disability and myopathy syndrome. Last evaluated: 2024-07-31. Review status: criteria provided, single submitter. Criteria: ACMG Guidelines, 2015. Collection method: clinical testing. Allele origin: germline. Affected: yes.
Comment: The variant is observed at an extremely low frequency in the gnomAD v4.0.0 dataset (total allele frequency: <0.001%). Predicted Consequence/Location: Stop-gained (nonsense): predicted to result in a loss or disruption of normal protein function through nonsense-mediated decay (NMD) or protein truncation. However, loss-of-function (LoF) variants are not yet known to be disease-causing for this gene. The variant has been reported as of uncertain significance (ClinVar ID: VCV000451662). Therefore, this variant is classified as VUS according to the recommendation of ACMG/AMP guideline.

Fulgent Genetics
Classification: Uncertain significance for Hypertrichotic osteochondrodysplasia Cantu type; Dilated cardiomyopathy 1O; Atrial fibrillation, familial, 12; Intellectual disability and myopathy syndrome. Last evaluated: 2021-10-19. Review status: criteria provided, single submitter. Criteria: ACMG Guidelines, 2015. Collection method: clinical testing. Allele origin: unknown.

GeneDx
Classification: Uncertain significance. Last evaluated: 2017-09-05. Review status: criteria provided, single submitter. Criteria: GeneDx Variant Classification (06012015). Collection method: clinical testing. Allele origin: germline. Affected: yes.
Comment: A variant of uncertain significance has been identified in the ABCC9 gene. The R694X variant has not been published as pathogenic or been reported as benign to our knowledge. This variant is not observed in large population cohorts (Lek et al., 2016; 1000 Genomes Consortium et al., 2015; Exome Variant Server). The R694X variant is predicted to cause loss of normal protein function by protein truncation. However, in the Human Genome Mutation Database few truncating variants have been reported in the ABCC9 gene and the majority of reported pathogenic variants in the ABCC9 gene are missense changes, suggesting that haploinsufficiency may not be the primary mechanism for disease in this gene (Stenson et al., 2014).

Literature cited by the submitters: PubMed 31575858 (cited by Labcorp Genetics (formerly Invitae), Labcorp); PubMed 38217872 (cited by Labcorp Genetics (formerly Invitae), Labcorp).